The following is an entry in ClinVar:

NM_014252.4(SLC25A15):c.639_640del (p.Met213fs)

Gene: SLC25A15 (solute carrier family 25 member 15; plus strand). Cytogenetic location: 13q14.11.
Variant type: Deletion.
Coding change: c.639_640del on transcript NM_014252.4 (MANE Select); coding-DNA positions 639 to 640, 2 bases deleted (GT; older notation c.639_640delGT).
Protein change: p.Met213fs; shifts the reading frame from methionine 213.
Molecular consequence: frameshift variant.
Genome position (GRCh38, 1-based): chr13:40,808,454-40,808,455, GT deleted; deleting any 2 consecutive bases within chr13:40,808,453-40,808,455 gives the same sequence; the c. name uses the placement nearest the transcript's 3' end. VCF-style (leftmost placement, unchanged base first): chr13-40808452-ATG-A. GRCh37 (hg19) VCF-style: chr13-41382588-ATG-A.
Other names: short protein forms M213fs.
Identifiers: ClinVar variation 1452494 (VCV001452494.8), dbSNP rs2138057963, ClinGen allele CA2573149654.

ClinVar aggregate classification (germline): Pathogenic (1 of 4 stars; one submission).

Conditions:
Hyperornithinemia-hyperammonemia-homocitrullinuria syndrome (HHHS). Also called: HHH SYNDROME; Ornithine translocase deficiency. Identifiers: Orphanet 415, MedGen C0268540, MONDO:0009393, OMIM 238970.

Submission:

Labcorp Genetics (formerly Invitae), Labcorp
Classification: Pathogenic for Hyperornithinemia-hyperammonemia-homocitrullinuria syndrome. Last evaluated: 2021-12-02. Review status: criteria provided, single submitter. Criteria: Invitae Variant Classification Sherloc (09022015). Collection method: clinical testing. Allele origin: germline.
Comment: This sequence change creates a premature translational stop signal (p.Met213Ilefs*47) in the SLC25A15 gene. While this is not anticipated to result in nonsense mediated decay, it is expected to disrupt the last 89 amino acid(s) of the SLC25A15 protein. This variant is not present in population databases (gnomAD no frequency). This variant has not been reported in the literature in individuals affected with SLC25A15-related conditions. This variant disrupts a region of the SLC25A15 protein in which other variant(s) (p.Arg275*) have been determined to be pathogenic (PMID: 16376511, 23430880). This suggests that this is a clinically significant region of the protein, and that variants that disrupt it are likely to be disease-causing. For these reasons, this variant has been classified as Pathogenic.

Literature cited by the submitters: PubMed 16376511; PubMed 23430880.